The following is an entry in ClinVar:

NM_138694.4(PKHD1):c.7053_7062dup (p.Ala2355fs)

Gene: PKHD1 (PKHD1 ciliary IPT domain containing fibrocystin/polyductin; minus strand). Cytogenetic location: 6p12.2.
Variant type: Duplication.
Coding change: c.7053_7062dup on transcript NM_138694.4 (MANE Select); coding-DNA positions 7053 to 7062, 10 bases duplicated (AACATCACAA; older notation c.7053_7062dupAACATCACAA).
Protein change: p.Ala2355fs; shifts the reading frame from alanine 2355.
Molecular consequence: frameshift variant.
Genome position (GRCh38, 1-based): chr6:51,887,180-51,887,189, TTGTGATGTT duplicated on the plus strand (AACATCACAA on the coding strand, the reverse complement: PKHD1 is on the minus strand); duplicating any 10 consecutive bases within chr6:51,887,180-51,887,190 gives the same sequence; the c. name uses the placement nearest the transcript's 3' end. VCF-style (leftmost placement, unchanged base first): chr6-51887179-C-CTTGTGATGTT. GRCh37 (hg19) VCF-style: chr6-51751977-C-CTTGTGATGTT.
Other names: c.7053_7062dup, p.Ala2355fs (NM_170724.3); short protein forms A2355fs.
Identifiers: ClinVar variation 4816731 (VCV004816731.1).
Genomic context (GRCh38, chr6:51,887,179, plus strand): 5'-TTCCCCAAAGTTACCTGGTACAAGAATGTGCAATGTTCTGAGTGAAGGAAAGAAGCGGAG[C>CTTGTGATGTT]TTGTGATGTTTGGTTGGTCATGAGATGGAAAAAGTAGCCATAGCCAGCACCACACACTCT-3'

ClinVar aggregate classification (germline): Likely pathogenic (1 of 4 stars; one submission).

Conditions:
Autosomal recessive polycystic kidney disease (ARPKD). Also called: AR polycystic kidney disease. Identifiers: Orphanet 731, Orphanet 8378, MedGen C0085548, MeSH D017044, MONDO:0009889.

Submission:

Natera, Inc.
Classification: Likely pathogenic for Autosomal recessive polycystic kidney disease. Last evaluated: 2025-10-13. Review status: criteria provided, single submitter. Criteria: Natera Variant Classification Schema (03/2026). Collection method: clinical testing. Allele origin: germline.
Comment: The c.7053_7062dup variant in PKHD1 is a frameshift variant predicted to shift the reading frame beginning at codon 2355 and leads to a stop codon 27 codons downstream. This variant is expected to result in nonsense mediated decay, truncation, or a dysfunctional protein product. This variant is rare in the general population with a frequency below the threshold expected for the associated phenotype(s). Given the available evidence, this variant is classified as Likely Pathogenic.